The following is an entry in ClinVar:

NM_133433.4(NIPBL):c.6860T>C (p.Leu2287Pro)

Gene: NIPBL (NIPBL cohesin loading factor; plus strand). Cytogenetic location: 5p13.2.
Variant type: single nucleotide variant.
Coding change: c.6860T>C on transcript NM_133433.4 (MANE Select); coding-DNA position 6860, T replaced by C.
Protein change: p.Leu2287Pro; replaces leucine 2287 with proline.
Molecular consequence: missense variant.
Genome position (GRCh38, 1-based): chr5:37,049,207, T>C. VCF-style: chr5-37049207-T-C. GRCh37 (hg19) VCF-style: chr5-37049309-T-C.
Other names: c.6860T>C, p.Leu2287Pro (NM_015384.5); short protein forms L2287P.
Identifiers: ClinVar variation 2705760 (VCV002705760.3), dbSNP rs2478624537, ClinGen allele CA359508911.

ClinVar aggregate classification (germline): Likely pathogenic (1 of 4 stars; one submission).

Conditions:
Cornelia de Lange syndrome 1 (CDLS1). Also called: TYPUS DEGENERATIVUS AMSTELODAMENSIS; Brachmann de Lange syndrome; NIPBL-Related Cornelia de Lange Syndrome. Identifiers: Orphanet 199, MedGen C4551851, MONDO:0007387, OMIM 122470.

Submission:

Labcorp Genetics (formerly Invitae), Labcorp
Classification: Likely pathogenic for Cornelia de Lange syndrome 1. Last evaluated: 2023-12-27. Review status: criteria provided, single submitter. Criteria: Invitae Variant Classification Sherloc (09022015). Collection method: clinical testing. Allele origin: germline.
Comment: This sequence change replaces leucine, which is neutral and non-polar, with proline, which is neutral and non-polar, at codon 2287 of the NIPBL protein (p.Leu2287Pro). This variant is not present in population databases (gnomAD no frequency). This missense change has been observed in individual(s) with clinical features of Cornelia de Lange syndrome (PMID: 34717699; Invitae). Advanced modeling of protein sequence and biophysical properties (such as structural, functional, and spatial information, amino acid conservation, physicochemical variation, residue mobility, and thermodynamic stability) performed at Invitae indicates that this missense variant is expected to disrupt NIPBL protein function with a positive predictive value of 95%. In summary, the currently available evidence indicates that the variant is pathogenic, but additional data are needed to prove that conclusively. Therefore, this variant has been classified as Likely Pathogenic.

Literature cited by the submitters: PubMed 34717699.